The following is an entry in ClinVar:

NM_014141.6(CNTNAP2):c.815A>G (p.Asp272Gly)

Gene: CNTNAP2 (contactin associated protein 2; plus strand). Cytogenetic location: 7q35.
Variant type: single nucleotide variant.
Coding change: c.815A>G on transcript NM_014141.6 (MANE Select); coding-DNA position 815, A replaced by G.
Protein change: p.Asp272Gly; replaces aspartic acid 272 with glycine.
Molecular consequence: missense variant.
Genome position (GRCh38, 1-based): chr7:147,121,039, A>G. VCF-style: chr7-147121039-A-G. GRCh37 (hg19) VCF-style: chr7-146818131-A-G.
Other names: short protein forms D272G.
Identifiers: ClinVar variation 1027826 (VCV001027826.7), dbSNP rs772500302, ClinGen allele CA4545898.
Genomic context (GRCh38, chr7:147,121,039, plus strand): 5'-GAAGCAACCAGCTTGGCCCCATATATGGCCACACATCAGTGATGACAGGAAGTTTGCTGG[A>G]TGACCACCACTGGCACTCTGTGGTCATTGAGCGCCAGGGGCGGAGCATTAACCTCACTCT-3'
Protein context (NP_054860.1, residues 262-282): HTSVMTGSLL[Asp272Gly]DHHWHSVVIE

ClinVar aggregate classification (germline): Uncertain significance. Review status: criteria provided, multiple submitters, no conflicts (2 of 4 stars). 3 submissions from 3 submitters: Uncertain significance (3). Last evaluated 2025-09-10.

Conditions:
Inborn genetic diseases. Identifiers: MedGen C0950123, MeSH D030342.
Cortical dysplasia-focal epilepsy syndrome (PTHSL1). Also called: Pitt-Hopkins-like syndrome 1. Identifiers: Orphanet 163681, Orphanet 221150, MedGen C2750246, MONDO:0012400, OMIM 610042.

Allele frequency attached by ClinVar (database versions not stated): ExAC 0.00001; gnomAD 0.00001; gnomAD exomes 0.00001; TOPMed 0.00001.
gnomAD v4.1: 8 of 1,613,926 alleles (0.0005%); highest among the groups gnomAD compares: Non-Finnish European, 0.00059%; no homozygotes.

Submissions (3):

Ambry Genetics
Classification: Uncertain significance for Inborn genetic diseases. Last evaluated: 2025-09-10. Review status: criteria provided, single submitter. Criteria: Ambry Variant Classification Scheme 2023. Collection method: clinical testing. Allele origin: germline.

Labcorp Genetics (formerly Invitae), Labcorp
Classification: Uncertain significance for Cortical dysplasia-focal epilepsy syndrome. Last evaluated: 2022-07-19. Review status: criteria provided, single submitter. Criteria: Invitae Variant Classification Sherloc (09022015). Collection method: clinical testing. Allele origin: germline.
Comment: This sequence change replaces aspartic acid, which is acidic and polar, with glycine, which is neutral and non-polar, at codon 272 of the CNTNAP2 protein (p.Asp272Gly). This variant is present in population databases (rs772500302, gnomAD 0.002%). This variant has not been reported in the literature in individuals affected with CNTNAP2-related conditions. ClinVar contains an entry for this variant (Variation ID: 1027826). Algorithms developed to predict the effect of missense changes on protein structure and function are either unavailable or do not agree on the potential impact of this missense change (SIFT: "Deleterious"; PolyPhen-2: "Probably Damaging"; Align-GVGD: "Class C0"). Algorithms developed to predict the effect of sequence changes on RNA splicing suggest that this variant may create or strengthen a splice site. In summary, the available evidence is currently insufficient to determine the role of this variant in disease. Therefore, it has been classified as a Variant of Uncertain Significance.

Baylor Genetics
Classification: Uncertain significance for Cortical dysplasia-focal epilepsy syndrome. Last evaluated: 2020-05-12. Review status: criteria provided, single submitter. Criteria: ACMG Guidelines, 2015. Collection method: clinical testing. Allele origin: paternal. Affected: yes.
Comment: This variant was determined to be of uncertain significance according to ACMG Guidelines, 2015 [PMID:25741868].